The following is an entry in ClinVar:

NM_000026.4(ADSL):c.1258G>A (p.Asp420Asn)

Gene: ADSL (adenylosuccinate lyase; plus strand). Cytogenetic location: 22q13.1.
Variant type: single nucleotide variant.
Coding change: c.1258G>A on transcript NM_000026.4 (MANE Select); coding-DNA position 1258, G replaced by A.
Protein change: p.Asp420Asn; replaces aspartic acid 420 with asparagine.
Molecular consequence: missense variant. On other transcripts: non-coding transcript variant (1), intron variant (1).
Genome position (GRCh38, 1-based): chr22:40,364,946, G>A. VCF-style: chr22-40364946-G-A. GRCh37 (hg19) VCF-style: chr22-40760950-G-A.
Other names: c.1066G>A, p.Asp356Asn (NM_001317923.2); c.1258G>A, p.Asp420Asn (NM_001363840.3); c.1191+581G>A (NM_001123378.3); short protein forms D356N, D420N.
Identifiers: ClinVar variation 1011292 (VCV001011292.8), dbSNP rs2044942817, ClinGen allele CA411647990.
Genomic context (GRCh38, chr22:40,364,946, plus strand): 5'-CATGAGAAAATCAGAGTGCTTTCTCAGCAGGCAGCTTCTGTGGTTAAGCAGGAAGGGGGT[G>A]ACAATGACCTCATAGAGCGTATCCAGGTTGATGCCTACTTCAGTCCCATTCACTCCCAGT-3'
Protein context (NP_000017.1, residues 410-430): AASVVKQEGG[Asp420Asn]NDLIERIQVD

ClinVar aggregate classification (germline): Uncertain significance (1 of 4 stars; one submission).

Conditions:
Adenylosuccinate lyase deficiency (ADSLD). Also called: ADSL DEFICIENCY. Identifiers: Orphanet 46, MedGen C0268126, MONDO:0007068, OMIM 103050.

gnomAD v4.1: 1 of 1,614,192 alleles (0.000062%); highest among the groups gnomAD compares: Non-Finnish European, 0.000085%; no homozygotes.

Submission:

Labcorp Genetics (formerly Invitae), Labcorp
Classification: Uncertain significance for Adenylosuccinate lyase deficiency. Last evaluated: 2020-07-15. Review status: criteria provided, single submitter. Criteria: Invitae Variant Classification Sherloc (09022015). Collection method: clinical testing. Allele origin: germline.
Comment: This sequence change replaces aspartic acid with asparagine at codon 420 of the ADSL protein (p.Asp420Asn). The aspartic acid residue is highly conserved and there is a small physicochemical difference between aspartic acid and asparagine. This variant is not present in population databases (ExAC no frequency). This variant has not been reported in the literature in individuals with ADSL-related conditions. Algorithms developed to predict the effect of missense changes on protein structure and function are either unavailable or do not agree on the potential impact of this missense change (SIFT: "Deleterious"; PolyPhen-2: "Benign"; Align-GVGD: "Class C0"). In summary, the available evidence is currently insufficient to determine the role of this variant in disease. Therefore, it has been classified as a Variant of Uncertain Significance.